The following is an entry in ClinVar:

ClinVar aggregate classification (germline): Uncertain significance (1 of 4 stars; one submission).

gnomAD v4.1: 1 of 1,613,166 alleles (0.000062%); highest among the groups gnomAD compares: Non-Finnish European, 0.000085%; no homozygotes.

Submission:

GeneDx
Classification: Uncertain significance. Last evaluated: 2026-01-22. Review status: criteria provided, single submitter. Criteria: GeneDx Variant Classification Process June 2021. Collection method: clinical testing. Allele origin: germline.
Comment: Not observed at significant frequency in large population cohorts (gnomAD); In silico analysis supports that this missense variant has a deleterious effect on protein structure/function; Has not been previously published as pathogenic or benign to our knowledge

NM_001854.4(COL11A1):c.3878C>T (p.Pro1293Leu)

Gene: COL11A1 (collagen type XI alpha 1 chain; minus strand). Cytogenetic location: 1p21.1.
Variant type: single nucleotide variant.
Coding change: c.3878C>T on transcript NM_001854.4 (MANE Select); coding-DNA position 3878, C replaced by T.
Protein change: p.Pro1293Leu; replaces proline 1293 with leucine.
Molecular consequence: missense variant. On other transcripts: non-coding transcript variant (1).
Genome position (GRCh38, 1-based): chr1:102,914,750, G>A on the plus strand (C>T on the coding strand, the complement: COL11A1 is on the minus strand). VCF-style: chr1-102914750-G-A. GRCh37 (hg19) VCF-style: chr1-103380306-G-A.
Other names: c.3761C>T, p.Pro1254Leu (NM_001190709.2); c.3914C>T, p.Pro1305Leu (NM_080629.3); c.3530C>T, p.Pro1177Leu (NM_080630.4); short protein forms P1177L, P1254L, P1293L, P1305L.
Identifiers: ClinVar variation 4975435 (VCV004975435.1).